The following is an entry in ClinVar:

ClinVar aggregate classification (germline): Uncertain significance (1 of 4 stars; one submission).

Conditions:
Hereditary spastic paraplegia 72 (SPG72A). Also called: Spastic paraplegia 72, autosomal recessive. Identifiers: Orphanet 401849, MedGen C5882669, MONDO:0014282, OMIM 615625.

Submission:

Labcorp Genetics (formerly Invitae), Labcorp
Classification: Uncertain significance for Hereditary spastic paraplegia 72. Last evaluated: 2024-11-19. Review status: criteria provided, single submitter. Criteria: Invitae Variant Classification Sherloc (09022015). Collection method: clinical testing. Allele origin: germline.
Comment: This sequence change replaces valine, which is neutral and non-polar, with methionine, which is neutral and non-polar, at codon 32 of the REEP2 protein (p.Val32Met). This variant is present in population databases (rs147103044, gnomAD 0.002%). This variant has not been reported in the literature in individuals affected with REEP2-related conditions. An algorithm developed to predict the effect of missense changes on protein structure and function (PolyPhen-2) suggests that this variant is likely to be disruptive. In summary, the available evidence is currently insufficient to determine the role of this variant in disease. Therefore, it has been classified as a Variant of Uncertain Significance.

NM_001271803.2(REEP2):c.94G>A (p.Val32Met)

Gene: REEP2 (receptor accessory protein 2; plus strand). Cytogenetic location: 5q31.2.
Variant type: single nucleotide variant.
Coding change: c.94G>A on transcript NM_001271803.2 (MANE Select); coding-DNA position 94, G replaced by A.
Protein change: p.Val32Met; replaces valine 32 with methionine.
Molecular consequence: missense variant. On other transcripts: non-coding transcript variant (2).
Genome position (GRCh38, 1-based): chr5:138,441,077, G>A. VCF-style: chr5-138441077-G-A. GRCh37 (hg19) VCF-style: chr5-137776766-G-A.
Other names: c.94G>A, p.Val32Met (NM_016606.4); short protein forms V32M.
Identifiers: ClinVar variation 3673585 (VCV003673585.2).